The following is an entry in ClinVar:

NM_033028.5(BBS4):c.960T>A (p.Tyr320Ter)

Gene: BBS4 (Bardet-Biedl syndrome 4; plus strand). Cytogenetic location: 15q24.1.
Variant type: single nucleotide variant.
Coding change: c.960T>A on transcript NM_033028.5 (MANE Select); coding-DNA position 960, T replaced by A.
Protein change: p.Tyr320Ter; replaces tyrosine 320 with a stop codon.
Molecular consequence: nonsense. On other transcripts: non-coding transcript variant (2).
Genome position (GRCh38, 1-based): chr15:72,731,650, T>A. VCF-style: chr15-72731650-T-A. GRCh37 (hg19) VCF-style: chr15-73023991-T-A.
Other names: c.444T>A, p.Tyr148Ter (NM_001252678.2); c.891T>A, p.Tyr297Ter (NM_001320665.2); short protein forms Y320*, Y297*, Y148*.
Identifiers: ClinVar variation 531832 (VCV000531832.9), dbSNP rs770891152, ClinGen allele CA393078932.
Genomic context (GRCh38, chr15:72,731,650, plus strand): 5'-ACCCTTTGATTGGAAGATTCTGTATAATTTGGGCCTTGTCCATTTGACCATGCAGCAGTA[T>A]GCATCAGCTTTTCATTTTCTCAGTGCGGCCATCAACTTCCAGCCAAAGATGGGGGAGCTC-3'

ClinVar aggregate classification (germline): Pathogenic/Likely pathogenic. Review status: criteria provided, multiple submitters, no conflicts (2 of 4 stars). 4 submissions from 4 submitters: Pathogenic (2); Likely pathogenic (2). Last evaluated 2024-03-29.

Conditions:
Bardet-Biedl syndrome 4 (BBS4). Identifiers: Orphanet 110, MedGen C2936864, MONDO:0014433, OMIM 615982.
BBS4-related disorder. Also called: BBS4-related condition.
Bardet-Biedl syndrome (BBS). Identifiers: Orphanet 110, MedGen C0752166, MONDO:0015229.

Allele frequency attached by ClinVar (database versions not stated): TOPMed 0.00001.
gnomAD v4.1: 42 of 1,614,240 alleles (0.0026%); highest among the groups gnomAD compares: Non-Finnish European, 0.0036%; no homozygotes.

Submissions (4):

Labcorp Genetics (formerly Invitae), Labcorp
Classification: Pathogenic for Bardet-Biedl syndrome. Last evaluated: 2024-03-29. Review status: criteria provided, single submitter. Criteria: Invitae Variant Classification Sherloc (09022015). Collection method: clinical testing. Allele origin: germline.
Comment: This sequence change creates a premature translational stop signal (p.Tyr320*) in the BBS4 gene. It is expected to result in an absent or disrupted protein product. Loss-of-function variants in BBS4 are known to be pathogenic (PMID: 11381270, 12016587, 20177705, 27894351). This variant is not present in population databases (gnomAD no frequency). This variant has not been reported in the literature in individuals affected with BBS4-related conditions. ClinVar contains an entry for this variant (Variation ID: 531832). For these reasons, this variant has been classified as Pathogenic.

Baylor Genetics
Classification: Likely pathogenic for Bardet-Biedl syndrome 4. Last evaluated: 2023-06-06. Review status: criteria provided, single submitter. Criteria: ACMG Guidelines, 2015. Collection method: clinical testing. Allele origin: unknown.

PreventionGenetics, part of Exact Sciences
Classification: Pathogenic for BBS4-related condition. Last evaluated: 2022-11-28. Review status: criteria provided, single submitter. Criteria: ACMG Guidelines, 2015. Collection method: clinical testing. Allele origin: germline.
Comment: The BBS4 c.960T>A variant is predicted to result in premature protein termination (p.Tyr320*). To our knowledge, this variant has not been reported in the literature or in a large population database, indicating this variant is rare. Nonsense variants in BBS4 are expected to be pathogenic. This variant is interpreted as likely pathogenic.

Blueprint Genetics
Classification: Likely pathogenic for BBS4-related disorders. Last evaluated: 2021-05-26. Review status: criteria provided, single submitter. Criteria: ACMG Guidelines, 2015. Collection method: clinical testing. Allele origin: germline. Affected: yes. Observed: 1 variant allele.

Literature cited by the submitters: PubMed 11381270 (cited by Labcorp Genetics (formerly Invitae), Labcorp); PubMed 12016587 (cited by Labcorp Genetics (formerly Invitae), Labcorp); PubMed 20177705 (cited by Labcorp Genetics (formerly Invitae), Labcorp); PubMed 27894351 (cited by Labcorp Genetics (formerly Invitae), Labcorp).